The following is an entry in ClinVar:

NM_020937.4(FANCM):c.2316+2T>A

Gene: FANCM (FA complementation group M; plus strand). Cytogenetic location: 14q21.2.
Variant type: single nucleotide variant.
Coding change: c.2316+2T>A on transcript NM_020937.4 (MANE Select); the canonical splice donor site of the intron after coding-DNA position 2316, T replaced by A.
Molecular consequence: splice donor variant.
Genome position (GRCh38, 1-based): chr14:45,173,212, T>A. VCF-style: chr14-45173212-T-A. GRCh37 (hg19) VCF-style: chr14-45642415-T-A.
Other names: c.2238+2T>A (NM_001308133.2).
Identifiers: ClinVar variation 1486106 (VCV001486106.7), dbSNP rs2139235421, ClinGen allele CA389596921.
Genomic context (GRCh38, chr14:45,173,212, plus strand): 5'-ATCGATGCCGCCATTTTATAGGCCTTATGCAAATGATAGAGGGAATGAGACACGAAGAGG[T>A]GGGGTTTTATTGTAACTTTCTCTTGCTGGTATGATAGTAAAACTAGAGTACTTAGCTTTT-3'

ClinVar aggregate classification (germline): Likely pathogenic (1 of 4 stars; one submission).

Conditions:
Fanconi anemia (FA). Also called: Fanconi's anemia. Identifiers: Orphanet 84, MedGen C0015625, MeSH D005199, MONDO:0019391.

Submission:

Labcorp Genetics (formerly Invitae), Labcorp
Classification: Likely pathogenic for Fanconi anemia. Last evaluated: 2021-08-12. Review status: criteria provided, single submitter. Criteria: Invitae Variant Classification Sherloc (09022015). Collection method: clinical testing. Allele origin: germline.
Comment: In summary, the currently available evidence indicates that the variant is pathogenic, but additional data are needed to prove that conclusively. Therefore, this variant has been classified as Likely Pathogenic. This sequence change affects a donor splice site in intron 13 of the FANCM gene. It is expected to disrupt RNA splicing. Variants that disrupt the donor or acceptor splice site typically lead to a loss of protein function (PMID: 16199547), and loss-of-function variants in FANCM are known to be pathogenic (PMID: 29895858, 30075111). This variant is not present in population databases (ExAC no frequency). This variant has not been reported in the literature in individuals affected with FANCM-related conditions. Algorithms developed to predict the effect of sequence changes on RNA splicing suggest that this variant may disrupt the consensus splice site.

Literature cited by the submitters: PubMed 16199547; PubMed 29895858; PubMed 30075111.